The following is an entry in ClinVar:

NM_001042492.3(NF1):c.4243A>G (p.Asn1415Asp)

Gene: NF1 (neurofibromin 1; plus strand). Cytogenetic location: 17q11.2.
Variant type: single nucleotide variant.
Coding change: c.4243A>G on transcript NM_001042492.3 (MANE Select); coding-DNA position 4243, A replaced by G.
Protein change: p.Asn1415Asp; replaces asparagine 1415 with aspartic acid.
Molecular consequence: missense variant.
Genome position (GRCh38, 1-based): chr17:31,258,413, A>G. VCF-style: chr17-31258413-A-G. GRCh37 (hg19) VCF-style: chr17-29585431-A-G.
Other names: c.4180A>G, p.Asn1394Asp (NM_000267.4); short protein forms N1415D, N1394D.
Identifiers: ClinVar variation 963146 (VCV000963146.10), dbSNP rs1555618518, ClinGen allele CA398997870.

ClinVar aggregate classification (germline): Conflicting classifications of pathogenicity. Review status: criteria provided, conflicting classifications (1 of 4 stars). 2 submissions from 2 submitters: Pathogenic (1); Uncertain significance (1). Last evaluated 2026-01-16.

Conditions:
Hereditary cancer-predisposing syndrome. Also called: Hereditary neoplastic syndrome; Tumor predisposition; Neoplastic Syndromes, Hereditary; Hereditary Cancer Syndrome. Identifiers: Orphanet 140162, MedGen C0027672, MeSH D009386, MONDO:0015356.
Cardiovascular phenotype. Identifiers: MedGen CN230736.
Neurofibromatosis, type 1 (NF1). Also called: Peripheral type neurofibromatosis; VON RECKLINGHAUSEN DISEASE; NEUROFIBROMATOSIS, TYPE I, SOMATIC; Neurofibromatosis, type I. Identifiers: Orphanet 636, MedGen C0027831, MONDO:0018975, OMIM 162200. Disease mechanism: loss of function.

Allele frequency attached by ClinVar (database versions not stated): gnomAD exomes below 0.00001.
gnomAD v4.1: 1 of 1,614,000 alleles (0.000062%); highest among the groups gnomAD compares: Non-Finnish European, 0.000085%; no homozygotes.

Submissions (2):

Labcorp Genetics (formerly Invitae), Labcorp
Classification: Pathogenic for Neurofibromatosis, type 1. Last evaluated: 2026-01-16. Review status: criteria provided, single submitter. Criteria: Invitae Variant Classification Sherloc (09022015). Collection method: clinical testing. Allele origin: germline.
Comment: This sequence change replaces asparagine, which is neutral and polar, with aspartic acid, which is acidic and polar, at codon 1394 of the NF1 protein (p.Asn1394Asp). This variant is not present in population databases (gnomAD no frequency). This variant has not been reported in the literature in individuals affected with NF1-related conditions. Invitae Evidence Modeling of clinical and family history, age, sex, and reported ancestry of multiple individuals with this NF1 variant has been performed. This variant is expected to be pathogenic with a positive predictive value of at least 99%. This is a validated machine learning model that incorporates the clinical features of 1,785,918 individuals referred to our laboratory for NF1 testing. ClinVar contains an entry for this variant (Variation ID: 963146). Invitae Evidence Modeling of protein sequence and biophysical properties (such as structural, functional, and spatial information, amino acid conservation, physicochemical variation, residue mobility, and thermodynamic stability) indicates that this missense variant is expected to disrupt NF1 protein function with a positive predictive value of 95%. This variant disrupts the p.Asn1394 amino acid residue in NF1. Other variant(s) that disrupt this residue have been determined to be pathogenic (internal data). This suggests that this residue is clinically significant, and that variants that disrupt this residue are likely to be disease-causing. For these reasons, this variant has been classified as Pathogenic.

Ambry Genetics
Classification: Uncertain significance for Cardiovascular phenotype; Hereditary cancer-predisposing syndrome. Last evaluated: 2025-02-10. Review status: criteria provided, single submitter. Criteria: Ambry Variant Classification Scheme 2023. Collection method: clinical testing. Allele origin: germline.
Comment: The p.N1394D variant (also known as c.4180A>G), located in coding exon 31 of the NF1 gene, results from an A to G substitution at nucleotide position 4180. The asparagine at codon 1394 is replaced by aspartic acid, an amino acid with highly similar properties. This amino acid position is highly conserved in available vertebrate species. In addition, the in silico prediction for this alteration is inconclusive. Based on the available evidence, the clinical significance of this variant remains unclear.